The following is an entry in ClinVar:

ClinVar aggregate classification (germline): Likely pathogenic. Review status: criteria provided, multiple submitters, no conflicts (2 of 4 stars). 2 submissions from 2 submitters: Likely pathogenic (2). Last evaluated 2024-10-18.

Conditions:
Dilated cardiomyopathy 1G (CMD1G). Identifiers: Orphanet 154, MedGen C1858763, MONDO:0011400, OMIM 604145.
Autosomal recessive limb-girdle muscular dystrophy type 2J (LGMDR10). Also called: Limb-girdle muscular dystrophy, type 2J; MUSCULAR DYSTROPHY, LIMB-GIRDLE, AUTOSOMAL RECESSIVE 10. Identifiers: Orphanet 140922, MedGen C1837342, MONDO:0012127, OMIM 608807.
TTN-related disorder. Also called: TTN-related disorders; TTN-related condition; TTN-related disease.

Allele frequency attached by ClinVar (database versions not stated): gnomAD exomes below 0.00001; gnomAD 0.00001.

Submissions (2):

Labcorp Genetics (formerly Invitae), Labcorp
Classification: Likely pathogenic for Dilated cardiomyopathy 1G; Autosomal recessive limb-girdle muscular dystrophy type 2J. Last evaluated: 2024-10-18. Review status: criteria provided, single submitter. Criteria: Invitae Variant Classification Sherloc (09022015). Collection method: clinical testing. Allele origin: germline.
Comment: This sequence change creates a premature translational stop signal (p.Leu6801Glnfs*47) in the TTN gene. While this is not anticipated to result in nonsense mediated decay, it is expected to create a truncated TTN protein. This variant is present in population databases (no rsID available, gnomAD 0.007%). This variant has not been observed in the literature in individuals with autosomal recessive TTN-related conditions. This variant has been reported in individual(s) with atrial fibrillation (PMID: 30535219); however, the role of the variant in this condition is currently unclear. This variant is located in the I band of TTN (PMID: 25589632). Truncating variants in this region have been reported in individuals affected with autosomal recessive centronuclear myopathy (PMID: 23975875, internal data). Truncating variants in this region have also been identified in individuals affected with autosomal dominant dilated cardiomyopathy and/or cardio-related conditions (PMID: 27869827, 32964742, internal data). In summary, the currently available evidence indicates that the variant is pathogenic, but additional data are needed to prove that conclusively. Therefore, this variant has been classified as Likely Pathogenic.

Blueprint Genetics
Classification: Likely pathogenic for TTN-related disorders. Last evaluated: 2023-12-12. Review status: criteria provided, single submitter. Criteria: ACMG Guidelines, 2015. Collection method: clinical testing. Allele origin: germline. Affected: yes. Observed: 2 variant alleles.

Literature cited by the submitters: PubMed 30535219 (cited by Labcorp Genetics (formerly Invitae), Labcorp); PubMed 25589632 (cited by Labcorp Genetics (formerly Invitae), Labcorp); PubMed 23975875 (cited by Labcorp Genetics (formerly Invitae), Labcorp); PubMed 27869827 (cited by Labcorp Genetics (formerly Invitae), Labcorp); PubMed 32964742 (cited by Labcorp Genetics (formerly Invitae), Labcorp).

NM_001267550.2(TTN):c.20402_20405del (p.Leu6801fs)

Gene: TTN (titin; minus strand). Cytogenetic location: 2q31.2.
Variant type: Deletion.
Coding change: c.20402_20405del on transcript NM_001267550.2 (MANE Select); coding-DNA positions 20402 to 20405, 4 bases deleted (TCAG; older notation c.20402_20405delTCAG).
Protein change: p.Leu6801fs; shifts the reading frame from leucine 6801.
Molecular consequence: frameshift variant. On other transcripts: intron variant (3).
Genome position (GRCh38, 1-based): chr2:178,725,917-178,725,920, CTGA deleted on the plus strand (TCAG on the coding strand, the reverse complement: TTN is on the minus strand). VCF-style (leftmost placement, unchanged base first): chr2-178725916-TCTGA-T. GRCh37 (hg19) VCF-style: chr2-179590643-TCTGA-T.
Other names: c.19451_19454del, p.Leu6484fs (NM_001256850.1); c.16670_16673del, p.Leu5557fs (NM_133378.4); c.13282+12162_13282+12165del (NM_003319.4); c.13858+12162_13858+12165del (NM_133437.4); c.13657+12162_13657+12165del (NM_133432.3); short protein forms L6484fs, L6801fs, L5557fs.
Identifiers: ClinVar variation 2929936 (VCV002929936.4), dbSNP rs1323001046, ClinGen allele CA538437677.